The following is an entry in ClinVar:

ClinVar aggregate classification (germline): Uncertain significance (1 of 4 stars; one submission).

Allele frequency attached by ClinVar (database versions not stated): gnomAD exomes 0.00003; ExAC 0.00008; ESP Exome Variant Server 0.00031; gnomAD 0.00038; TOPMed 0.00042.
gnomAD v4.1: 106 of 1,613,252 alleles (0.0066%); highest among the groups gnomAD compares: African/African-American, 0.13%; no homozygotes.

Submission:

Mayo Clinic Laboratories, Mayo Clinic
Classification: Uncertain significance. Last evaluated: 2022-06-03. Review status: criteria provided, single submitter. Criteria: ACMG Guidelines, 2015. Collection method: clinical testing. Allele origin: germline. Observed: 1 variant allele.
Comment: PP3, PM2

NM_021044.4(DHH):c.227A>G (p.Asp76Gly)

Genes: DHH (desert hedgehog signaling molecule; minus strand), DHH-AS1 (DHH antisense RNA 1; plus strand). Cytogenetic location: 12q13.12.
Variant type: single nucleotide variant.
Coding change: c.227A>G on transcript NM_021044.4 (MANE Select); coding-DNA position 227, A replaced by G.
Protein change: p.Asp76Gly; replaces aspartic acid 76 with glycine.
Molecular consequence: missense variant.
Genome position (GRCh38, 1-based): chr12:49,094,286, T>C on the plus strand (A>G on the coding strand, the complement: DHH is on the minus strand). VCF-style: chr12-49094286-T-C. GRCh37 (hg19) VCF-style: chr12-49488069-T-C.
Other names: p.Asp76Gly; short protein forms D76G.
Identifiers: ClinVar variation 2683199 (VCV002683199.1), dbSNP rs201628124, ClinGen allele CA6549229.